The following is an entry in ClinVar:

NM_001146696.2(KDM4C):c.-1G>C

Gene: KDM4C (lysine demethylase 4C; plus strand). Cytogenetic location: 9p24.1.
Variant type: single nucleotide variant.
Coding change: c.-1G>C on transcript NM_001146696.2; 1 bases upstream of the start codon, G replaced by C.
Molecular consequence: 5 prime UTR variant.
Genome position (GRCh38, 1-based): chr9:6,720,948, G>C. VCF-style: chr9-6720948-G-C. GRCh37 (hg19) VCF-style: chr9-6720948-G-C.
Identifiers: ClinVar variation 2630695 (VCV002630695.1), dbSNP rs574138236, ClinGen allele CA188719677.
Genomic context (GRCh38, chr9:6,720,948, plus strand): 5'-TGAAAGTTGTTGAATAGTTGGAGTGTTCTGCATTCATGTGGAAGAGGCTAAAGGATGTTT[G>C]ATGAAGCACTATGGGCTGCCCTGGAAGAGGACTGAAGAAGCAGCTGCAGGTGAGTGCTGC-3'

ClinVar aggregate classification (germline): Uncertain significance (1 of 4 stars; one submission).

Conditions:
KDM4C-related disorder. Also called: KDM4C-related condition.

Allele frequency attached by ClinVar (database versions not stated): 1000 Genomes Project 0.00020; gnomAD 0.00002; TOPMed 0.00004; 1000 Genomes Project 30x 0.00016; gnomAD exomes 0.00001.
gnomAD v4.1: 22 of 1,551,568 alleles (0.0014%); highest among the groups gnomAD compares: African/African-American, 0.0055%; no homozygotes.

Submission:

PreventionGenetics, part of Exact Sciences
Classification: Uncertain significance for KDM4C-related condition. Last evaluated: 2023-09-14. Review status: criteria provided, single submitter. Criteria: ACMG Guidelines, 2015. Collection method: clinical testing. Allele origin: germline.
Comment: The KDM4C c.-1G>C variant is located in the 5' untranslated region. To our knowledge, this variant has not been reported in the literature. This variant is reported in 0.0041% of alleles in individuals of Latino descent in gnomAD. At this time, the clinical significance of this variant is uncertain due to the absence of conclusive functional and genetic evidence.